The following is an entry in ClinVar:

NM_000062.3(SERPING1):c.1420C>T (p.Gln474Ter)

Gene: SERPING1 (serpin family G member 1; plus strand). Cytogenetic location: 11q12.1.
Variant type: single nucleotide variant.
Coding change: c.1420C>T on transcript NM_000062.3 (MANE Select); coding-DNA position 1420, C replaced by T.
Protein change: p.Gln474Ter; replaces glutamine 474 with a stop codon.
Molecular consequence: nonsense.
Genome position (GRCh38, 1-based): chr11:57,614,498, C>T. VCF-style: chr11-57614498-C-T. GRCh37 (hg19) VCF-style: chr11-57381971-C-T.
Other names: c.1420C>T, p.Gln474Ter (NM_001032295.2); short protein forms Q474*.
Identifiers: ClinVar variation 626354 (VCV000626354.10), dbSNP rs1565174105, ClinGen allele CA380690786.

ClinVar aggregate classification (germline): Pathogenic. Review status: criteria provided, multiple submitters, no conflicts (2 of 4 stars). 2 submissions from 2 submitters: Pathogenic (2). Last evaluated 2023-07-14.

Conditions:
Hereditary angioedema type 1 (HAE1). Identifiers: Orphanet 100050, Orphanet 100051, Orphanet 91378, MedGen C2717906, MONDO:0015053, OMIM 106100.

Submissions (2):

Labcorp Genetics (formerly Invitae), Labcorp
Classification: Pathogenic. Last evaluated: 2023-07-14. Review status: criteria provided, single submitter. Criteria: Invitae Variant Classification Sherloc (09022015). Collection method: clinical testing. Allele origin: germline.
Comment: This premature translational stop signal has been observed in individual(s) with hereditary angioedema due to C1 inhibitor deficiency (PMID: 25258140). This variant is not present in population databases (gnomAD no frequency). This sequence change creates a premature translational stop signal (p.Gln474*) in the SERPING1 gene. While this is not anticipated to result in nonsense mediated decay, it is expected to disrupt the last 27 amino acid(s) of the SERPING1 protein. For these reasons, this variant has been classified as Pathogenic. This variant disrupts a region of the SERPING1 protein in which other variant(s) (p.Phe477Leu) have been determined to be pathogenic (PMID: 26812872, 30847342; Invitae). This suggests that this is a clinically significant region of the protein, and that variants that disrupt it are likely to be disease-causing. ClinVar contains an entry for this variant (Variation ID: 626354).

Department of Immunology and Histocompatibility, University of Thessaly
Classification: Pathogenic for Hereditary angioedema type 1. Review status: criteria provided, single submitter. Criteria: ACMG Guidelines, 2015. Collection method: clinical testing. Allele origin: germline. Affected: yes. Observed: 4 variant alleles.
Comment: The c.1420C>T (p.Gln474Ter) variant has been previously reported in the literature in association with hereditary angioedema (Speletas et al., 2015; Loules et al., 2018). It is a nonsense variant that causes an interruption of the reading frame by formation of a premature stop codon in exon 8 and results in a truncated protein missing 27aa. The mutation has been detected by our laboratory in 4 patients with C1-INH HAE Type I, members of a Greek family (2 male and 2 female). It was not detected in two healthy family members that were also tested. The variant has never been detected in approximately 120000 individuals of the Exome Aggregation Consortium (ExAC) nor in 1000Genome Project, indicating that it is not a common variant. At the same location, two different variants have been previously reported in HAE database in association with hereditary angioedema (a) c.1420C>G (p.Gln474Glu) by Verpy et al. 1995, a missense variant that was associated with HAE when found in cis with the Leu459Arg mutation and (b) c.1420_1421insC (frameshift) by Gosswein et al. 2008, which was characterized as pathogenic for C1-INH HAE Type I. Taking all the above into account and according to ACMG Guidelines (Criteria: PVS1, PM2, PM4, PP1, PP4) the variant is considered pathogenic.

Literature cited by the submitters: PubMed 25258140 (cited by Labcorp Genetics (formerly Invitae), Labcorp); PubMed 26812872 (cited by Labcorp Genetics (formerly Invitae), Labcorp); PubMed 30847342 (cited by Labcorp Genetics (formerly Invitae), Labcorp); PubMed 29753808 (cited by Department of Immunology and Histocompatibility, University of Thessaly).